The following is an entry in ClinVar:

NM_000141.5(FGFR2):c.796G>C (p.Ala266Pro)

Gene: FGFR2 (fibroblast growth factor receptor 2; minus strand). Cytogenetic location: 10q26.13.
Variant type: single nucleotide variant.
Coding change: c.796G>C on transcript NM_000141.5 (MANE Select); coding-DNA position 796, G replaced by C.
Protein change: p.Ala266Pro; replaces alanine 266 with proline.
Molecular consequence: missense variant. On other transcripts: non-coding transcript variant (1), intron variant (1).
Genome position (GRCh38, 1-based): chr10:121,520,122, C>G on the plus strand (G>C on the coding strand, the complement: FGFR2 is on the minus strand). VCF-style: chr10-121520122-C-G. GRCh37 (hg19) VCF-style: chr10-123279636-C-G.
Other names: c.796G>C, p.Ala266Pro (NM_001144913.1, NM_001144917.2, NM_001320658.2 and 1 more transcripts); c.529G>C, p.Ala177Pro (NM_001144915.2, NM_001144919.2, NM_023029.3); c.451G>C, p.Ala151Pro (NM_001144916.2, NM_001144918.2); c.112G>C, p.Ala38Pro (NM_001320654.2); c.749-4803G>C (NM_001144914.1); short protein forms A151P, A177P, A266P, A38P.
Identifiers: ClinVar variation 853635 (VCV000853635.12), dbSNP rs1375799439, ClinGen allele CA378330981.

ClinVar aggregate classification (germline): Uncertain significance. Review status: criteria provided, multiple submitters, no conflicts (2 of 4 stars). 2 submissions from 2 submitters: Uncertain significance (2). Last evaluated 2025-03-27.

Conditions:
FGFR2-related craniosynostosis. Identifiers: MedGen CN231480.

Submissions (2):

Labcorp Genetics (formerly Invitae), Labcorp
Classification: Uncertain significance for FGFR2-related craniosynostosis. Last evaluated: 2025-03-27. Review status: criteria provided, single submitter. Criteria: Invitae Variant Classification Sherloc (09022015). Collection method: clinical testing. Allele origin: germline.
Comment: This sequence change replaces alanine, which is neutral and non-polar, with proline, which is neutral and non-polar, at codon 266 of the FGFR2 protein (p.Ala266Pro). This variant is not present in population databases (gnomAD no frequency). This missense change has been observed in individual(s) with Crouzon syndrome (PMID: 24127277). ClinVar contains an entry for this variant (Variation ID: 853635). Invitae Evidence Modeling of protein sequence and biophysical properties (such as structural, functional, and spatial information, amino acid conservation, physicochemical variation, residue mobility, and thermodynamic stability) indicates that this missense variant is not expected to disrupt FGFR2 protein function with a negative predictive value of 80%. In summary, the available evidence is currently insufficient to determine the role of this variant in disease. Therefore, it has been classified as a Variant of Uncertain Significance.

GeneDx
Classification: Uncertain significance. Last evaluated: 2023-05-02. Review status: criteria provided, single submitter. Criteria: GeneDx Variant Classification Process June 2021. Collection method: clinical testing. Allele origin: germline. Affected: yes.
Comment: In silico analysis supports that this missense variant does not alter protein structure/function; Not observed at significant frequency in large population cohorts (gnomAD); This variant is associated with the following publications: (PMID: 24127277)

Literature cited by the submitters: PubMed 24127277 (cited by Labcorp Genetics (formerly Invitae), Labcorp).